The following is an entry in ClinVar:

ClinVar aggregate classification (germline): Conflicting classifications of pathogenicity. Review status: criteria provided, conflicting classifications (1 of 4 stars). 7 submissions from 7 submitters: Pathogenic (3); Likely pathogenic (3); Uncertain significance (1). Last evaluated 2026-01-07.

Conditions:
Zellweger spectrum disorders (ZS). Also called: Zellweger Spectrum Disorder; Zellweger Spectrum; Zellweger syndrome; Zellweger Spectrum Disorder (ZSD). Identifiers: Orphanet 912, MedGen C0043459, MONDO:0019609.
Peroxisome biogenesis disorder 1B (PBD1B). Also called: PEROXISOME BIOGENESIS DISORDER (NEONATAL ADRENOLEUKODYSTROPHY/INFANTILE REFSUM DISEASE); INFANTILE PHYTANIC ACID STORAGE DISEASE; PEROXISOME BIOGENESIS DISORDER (NALD/IRD); ADRENOLEUKODYSTROPHY, AUTOSOMAL NEONATAL; Refsum disease, infantile form; Infantile Refsum disease. Identifiers: Orphanet 44, MedGen C0282527, MONDO:0011101, OMIM 601539.
Heimler syndrome 1 (HMLR1). Also called: PEROXISOME BIOGENESIS DISORDER 1C. Identifiers: Orphanet 3220, MedGen C4551980, OMIM 234580, MONDO:0024544.
Peroxisome biogenesis disorder 1A (Zellweger) (PBD1A). Also called: Peroxisome biogenesis disorder 1a; Zellweger leukodystrophy. Identifiers: MedGen C4721541, MONDO:0008953, OMIM 214100.
PEX1-related Zellweger spectrum disorder.
Peroxisome biogenesis disorder. Identifiers: Orphanet 79189, MedGen C1832200, MONDO:0019234. Disease mechanism: loss of function.

Submissions (7):

Natera, Inc.
Classification: Likely pathogenic for Zellweger syndrome. Last evaluated: 2026-01-07. Review status: criteria provided, single submitter. Criteria: Natera Variant Classification Schema (03/2026). Collection method: clinical testing. Allele origin: germline.
Comment: The c.2468delC variant in PEX1 is a frameshift variant predicted to shift the reading frame beginning at codon 823 and leads to a stop codon 68 codons downstream. This variant is expected to result in nonsense mediated decay, truncation, or a dysfunctional protein product. This variant is rare in the general population with a frequency below the threshold expected for the associated phenotype(s). Given the available evidence, this variant is classified as Likely Pathogenic.

Rady Children's Institute for Genomic Medicine, Rady Children's Hospital San Diego
Classification: Likely pathogenic for PEX1-related Zellweger spectrum disorder. Last evaluated: 2025-12-30. Review status: criteria provided, single submitter. Criteria: ACMG Guidelines, 2015. Collection method: clinical testing. Allele origin: germline. Affected: yes.
Comment: This frameshifting variant in exon 15 of 24 is predicted to result in loss of normal protein function through either protein truncation or nonsense-mediated mRNA decay. Loss-of-function variation in PEX1 is an established mechanism of disease (PMID: 11389485). This variant has not been previously reported in affected individuals or functionally characterized in the literature to our knowledge. The c.2468del (p.Pro823LeufsTer68) variant is present in the latest version of the gnomAD population database at an allele frequency of 0.0003% (5/1614036), and is absent in the homozygous state, thus is presumed to be rare. Based on the available evidence, c.2468del (p.Pro823LeufsTer68) is classified as Likely Pathogenic.

Myriad Genetics, Inc.
Classification: Pathogenic for Peroxisome biogenesis disorder. Last evaluated: 2025-12-05. Review status: criteria provided, single submitter. Criteria: Myriad Autosomal Dominant, Autosomal Recessive and X-Linked Classification Criteria (2023). Collection method: clinical testing. Allele origin: unknown.
Comment: NM_000466.2(PEX1):c.2468delC(P823Lfs*68) is a frameshift variant classified as pathogenic in the context of peroxisome biogenesis disorder type 1. P823Lfs*68 has not been observed in cases with relevant disease. Relevant functional assessments of this variant are not available in the literature. P823Lfs*68 has been observed in referenced population frequency databases. In summary, NM_000466.2(PEX1):c.2468delC(P823Lfs*68) is a frameshift variant in a gene where loss of function is a known mechanism of disease and is predicted to disrupt protein function. Please note: this variant was assessed in the context of healthy population screening.

GeneDx
Classification: Uncertain significance. Last evaluated: 2024-10-11. Review status: criteria provided, single submitter. Criteria: GeneDx Variant Classification Process June 2021. Collection method: clinical testing. Allele origin: germline. Affected: yes.
Comment: Frameshift variant predicted to result in protein truncation or nonsense mediated decay in a gene for which loss of function is a known mechanism of disease; Has not been previously published as pathogenic or benign in association with a PEX1-related phenotype to our knowledge; This variant is associated with the following publications: (PMID: 31964843)

Fulgent Genetics
Classification: Likely pathogenic for Peroxisome biogenesis disorder 1A (Zellweger); Heimler syndrome 1; Peroxisome biogenesis disorder 1B. Last evaluated: 2024-04-01. Review status: criteria provided, single submitter. Criteria: ACMG Guidelines, 2015. Collection method: clinical testing. Allele origin: germline.

Labcorp Genetics (formerly Invitae), Labcorp
Classification: Pathogenic for Zellweger spectrum disorders. Last evaluated: 2022-07-25. Review status: criteria provided, single submitter. Criteria: Invitae Variant Classification Sherloc (09022015). Collection method: clinical testing. Allele origin: germline.
Comment: For these reasons, this variant has been classified as Pathogenic. ClinVar contains an entry for this variant (Variation ID: 596283). This variant has not been reported in the literature in individuals affected with PEX1-related conditions. This variant is present in population databases (rs766947924, gnomAD 0.02%). This sequence change creates a premature translational stop signal (p.Pro823Leufs*68) in the PEX1 gene. It is expected to result in an absent or disrupted protein product. Loss-of-function variants in PEX1 are known to be pathogenic (PMID: 9398847, 16086329, 16141001, 21031596, 26387595, 31831025).

Eurofins Ntd Llc (ga)
Classification: Pathogenic. Last evaluated: 2018-02-23. Review status: criteria provided, single submitter. Criteria: EGL ClinVar v180209 classification definitions. Collection method: clinical testing. Allele origin: germline.

Literature cited by the submitters: PubMed 11389485 (cited by Rady Children's Institute for Genomic Medicine, Rady Children's Hospital San Diego); PubMed 9398847 (cited by Labcorp Genetics (formerly Invitae), Labcorp); PubMed 16086329 (cited by Labcorp Genetics (formerly Invitae), Labcorp); PubMed 16141001 (cited by Labcorp Genetics (formerly Invitae), Labcorp); PubMed 21031596 (cited by Labcorp Genetics (formerly Invitae), Labcorp); PubMed 26387595 (cited by Labcorp Genetics (formerly Invitae), Labcorp); PubMed 31831025 (cited by Labcorp Genetics (formerly Invitae), Labcorp).

NM_000466.3(PEX1):c.2468del (p.Pro823fs)

Gene: PEX1 (peroxisomal biogenesis factor 1; minus strand). Cytogenetic location: 7q21.2.
Variant type: Deletion.
Coding change: c.2468del on transcript NM_000466.3 (MANE Select); coding-DNA position 2468, one base deleted (C; older notation c.2468delC).
Protein change: p.Pro823fs; shifts the reading frame from proline 823.
Molecular consequence: frameshift variant.
Genome position (GRCh38, 1-based): chr7:92,501,622, G deleted on the plus strand (C on the coding strand, the reverse complement: PEX1 is on the minus strand); the first of 2 consecutive G bases (chr7:92,501,622-92,501,623); deleting either gives the same sequence. VCF-style (leftmost placement, unchanged base first): chr7-92501621-AG-A. GRCh37 (hg19) VCF-style: chr7-92130935-AG-A.
Other names: c.2297del, p.Pro766fs (NM_001282677.2); c.1844del, p.Pro615fs (NM_001282678.2); c.2468delC (NM_000466.2); short protein forms P615fs, P823fs, P766fs.
Identifiers: ClinVar variation 596283 (VCV000596283.17), dbSNP rs766947924, ClinGen allele CA4341116.